The following is an entry in ClinVar:

NM_198690.3(KRTAP10-9):c.759C>T (p.Pro253=)

Genes: KRTAP10-9 (keratin associated protein 10-9; plus strand), TSPEAR (thrombospondin type laminin G domain and EAR repeats; minus strand). Cytogenetic location: 21q22.3.
Variant type: single nucleotide variant.
Coding change: c.759C>T on transcript NM_198690.3 (MANE Select); coding-DNA position 759, C replaced by T.
Protein change: p.Pro253=; no amino-acid change (proline 253 retained).
Molecular consequence: synonymous variant. On other transcripts: intron variant (2).
Genome position (GRCh38, 1-based): chr21:44,627,930, C>T. VCF-style: chr21-44627930-C-T. GRCh37 (hg19) VCF-style: chr21-46047847-C-T.
Other names: c.83-59925G>A (NM_144991.3); c.-122-59925G>A (NM_001272037.2).
Identifiers: ClinVar variation 2652773 (VCV002652773.25), dbSNP rs587652789, ClinGen allele CA10060293.

ClinVar aggregate classification (germline): Likely benign. Review status: criteria provided, multiple submitters, no conflicts (2 of 4 stars). 2 submissions from 2 submitters: Likely benign (2). Last evaluated 2022-04-01.

Allele frequency attached by ClinVar (database versions not stated): gnomAD exomes 0.00009; ExAC 0.00011; 1000 Genomes Project 30x 0.00016; 1000 Genomes Project 0.00020; gnomAD 0.00020; TOPMed 0.00029.
gnomAD v4.1: 161 of 1,519,446 alleles (0.011%); highest among the groups gnomAD compares: African/African-American, 0.073%; 1 homozygote.

Submissions (2):

CeGaT Center for Human Genetics Tuebingen
Classification: Likely benign. Last evaluated: 2022-04-01. Review status: criteria provided, single submitter. Criteria: CeGaT Center For Human Genetics Tuebingen Variant Classification Criteria Version 2. Collection method: clinical testing. Allele origin: germline. Affected: yes. Observed: 1 variant allele.
Comment: KRTAP10-9: BP4, BP7

Breakthrough Genomics
Classification: Likely benign. Review status: criteria provided, single submitter. Criteria: ACMG Guidelines, 2015. Collection method: not provided. Allele origin: germline. Inheritance: Autosomal recessive inheritance. Affected: yes.